The following is an entry in ClinVar:

ClinVar aggregate classification (germline): Pathogenic (1 of 4 stars; one submission).

Conditions:
Mitochondrial hypertrophic cardiomyopathy with lactic acidosis due to MTO1 deficiency. Also called: CARDIOMYOPATHY, INFANTILE HYPERTROPHIC MITOCHONDRIAL, AND LACTIC ACIDOSIS; Combined oxidative phosphorylation deficiency 10. Identifiers: Orphanet 314637, MedGen C4749921, MONDO:0013865, OMIM 614702.

Submission:

Labcorp Genetics (formerly Invitae), Labcorp
Classification: Pathogenic for Mitochondrial hypertrophic cardiomyopathy with lactic acidosis due to MTO1 deficiency. Last evaluated: 2023-07-14. Review status: criteria provided, single submitter. Criteria: Invitae Variant Classification Sherloc (09022015). Collection method: clinical testing. Allele origin: unknown.
Comment: A gross deletion of the genomic region encompassing the full coding sequence of the MTO1 gene has been identified. Loss-of-function variants in MTO1 are known to be pathogenic (PMID: 22608499, 25058219). The boundaries of this event are unknown as they extend beyond the assayed region for this gene and therefore may encompass additional genes. This variant has not been reported in the literature in individuals affected with MTO1-related conditions. For these reasons, this variant has been classified as Pathogenic.

Literature cited by the submitters: PubMed 22608499; PubMed 25058219.

NC_000006.11:g.(?_74171578)_(74210458_?)del

Gene: MTO1 (mitochondrial tRNA translation optimization 1; plus strand). Cytogenetic location: 6q13.
Variant type: Deletion.
Identifiers: ClinVar variation 3246030 (VCV003246030.1).